The following is an entry in ClinVar:

ClinVar aggregate classification (germline): Uncertain significance. Review status: criteria provided, multiple submitters, no conflicts (2 of 4 stars). 3 submissions from 3 submitters: Uncertain significance (3). Last evaluated 2025-10-23.

Conditions:
Hereditary cancer-predisposing syndrome. Also called: Hereditary Cancer Syndrome; Neoplastic Syndromes, Hereditary; Tumor predisposition; Hereditary neoplastic syndrome. Identifiers: Orphanet 140162, MedGen C0027672, MeSH D009386, MONDO:0015356.
Familial cancer of breast. Also called: BREAST CANCER, FAMILIAL; Hereditary breast cancer; hereditary breast carcinoma. Identifiers: Orphanet 227535, MedGen C0346153, MONDO:0016419, OMIM 114480. Disease mechanism: loss of function.
Fanconi anemia complementation group J. Also called: BRIP1-Related Fanconi Anemia. Identifiers: Orphanet 84, MedGen C1836860, MONDO:0012187, OMIM 609054.

Submissions (3):

Ambry Genetics
Classification: Uncertain significance for Hereditary cancer-predisposing syndrome. Last evaluated: 2025-10-23. Review status: criteria provided, single submitter. Criteria: Ambry Variant Classification Scheme 2023. Collection method: clinical testing. Allele origin: germline.
Comment: The p.I446L variant (also known as c.1336A>C), located in coding exon 8 of the BRIP1 gene, results from an A to C substitution at nucleotide position 1336. The isoleucine at codon 446 is replaced by leucine, an amino acid with highly similar properties. This amino acid position is well conserved in available vertebrate species. In addition, this alteration is predicted to be tolerated by in silico analysis. Since supporting evidence is limited at this time, the clinical significance of this alteration remains unclear.

Labcorp Genetics (formerly Invitae), Labcorp
Classification: Uncertain significance for Familial cancer of breast; Fanconi anemia complementation group J. Last evaluated: 2019-11-21. Review status: criteria provided, single submitter. Criteria: Invitae Variant Classification Sherloc (09022015). Collection method: clinical testing. Allele origin: germline.
Comment: Algorithms developed to predict the effect of missense changes on protein structure and function (SIFT, PolyPhen-2, Align-GVGD) all suggest that this variant is likely to be tolerated, but these predictions have not been confirmed by published functional studies and their clinical significance is uncertain. In summary, the available evidence is currently insufficient to determine the role of this variant in disease. Therefore, it has been classified as a Variant of Uncertain Significance. This variant has not been reported in the literature in individuals with BRIP1-related conditions. ClinVar contains an entry for this variant (Variation ID: 187131). This variant is not present in population databases (ExAC no frequency). This sequence change replaces isoleucine with leucine at codon 446 of the BRIP1 protein (p.Ile446Leu). The isoleucine residue is moderately conserved and there is a small physicochemical difference between isoleucine and leucine.

Mendelics
Classification: Uncertain significance for Fanconi anemia, complementation group J. Last evaluated: 2018-07-02. Review status: criteria provided, single submitter. Criteria: Mendelics Assertion Criteria 2017. Collection method: clinical testing. Allele origin: unknown.

NM_032043.3(BRIP1):c.1336A>C (p.Ile446Leu)

Gene: BRIP1 (BRCA1 interacting DNA helicase 1; minus strand). Cytogenetic location: 17q23.2.
Variant type: single nucleotide variant.
Coding change: c.1336A>C on transcript NM_032043.3 (MANE Select); coding-DNA position 1336, A replaced by C.
Protein change: p.Ile446Leu; replaces isoleucine 446 with leucine.
Molecular consequence: missense variant.
Genome position (GRCh38, 1-based): chr17:61,799,104, T>G on the plus strand (A>C on the coding strand, the complement: BRIP1 is on the minus strand). VCF-style: chr17-61799104-T-G. GRCh37 (hg19) VCF-style: chr17-59876465-T-G.
Other names: short protein forms I446L.
Identifiers: ClinVar variation 187131 (VCV000187131.18), dbSNP rs786203496, ClinGen allele CA196810.